The following is an entry in ClinVar:

NM_004360.5(CDH1):c.2119A>G (p.Ile707Val)

Gene: CDH1 (cadherin 1; plus strand). Cytogenetic location: 16q22.1.
Variant type: single nucleotide variant.
Coding change: c.2119A>G on transcript NM_004360.5 (MANE Select); coding-DNA position 2119, A replaced by G.
Protein change: p.Ile707Val; replaces isoleucine 707 with valine.
Molecular consequence: missense variant.
Genome position (GRCh38, 1-based): chr16:68,823,581, A>G. VCF-style: chr16-68823581-A-G. GRCh37 (hg19) VCF-style: chr16-68857484-A-G.
Other names: c.1936A>G, p.Ile646Val (NM_001317184.2); c.571A>G, p.Ile191Val (NM_001317185.2); c.154A>G, p.Ile52Val (NM_001317186.2); short protein forms I191V, I52V, I646V, I707V.
Identifiers: ClinVar variation 927618 (VCV000927618.4), dbSNP rs1961235726, ClinGen allele CA396467887.

ClinVar aggregate classification (germline): Uncertain significance (1 of 4 stars; one submission).

Conditions:
Hereditary cancer-predisposing syndrome. Also called: Neoplastic Syndromes, Hereditary; Hereditary Cancer Syndrome; Tumor predisposition; Hereditary neoplastic syndrome. Identifiers: Orphanet 140162, MedGen C0027672, MeSH D009386, MONDO:0015356.

Submission:

Color Diagnostics, LLC DBA Color Health
Classification: Uncertain significance for Hereditary cancer-predisposing syndrome. Last evaluated: 2023-12-05. Review status: criteria provided, single submitter. Criteria: ACMG Guidelines, 2015. Collection method: clinical testing. Allele origin: germline.
Comment: This missense variant replaces isoleucine with valine at codon 707 of the CDH1 protein. To our knowledge, functional studies have not been reported for this variant. This variant has not been reported in individuals affected with CDH1-related disorders in the literature. This variant has not been identified in the general population by the Genome Aggregation Database (gnomAD). The available evidence is insufficient to determine the role of this variant in disease conclusively. Therefore, this variant is classified as a Variant of Uncertain Significance.